The following is an entry in ClinVar:

ClinVar aggregate classification (germline): Uncertain significance (1 of 4 stars; one submission).

Conditions:
3-methylglutaconic aciduria, type VIIB (MGCA7B). Also called: CLPB Deficiency; 3-methylglutaconic aciduria with cataracts, neurologic involvement and neutropenia; 3-methylglutaconic aciduria, type VII, with cataracts, neurologic involvement and neutropenia. Identifiers: Orphanet 445038, MedGen C5676893, MONDO:0014561, OMIM 616271.

Allele frequency attached by ClinVar (database versions not stated): gnomAD exomes below 0.00001; ExAC 0.00001.
gnomAD v4.1: 2 of 1,613,786 alleles (0.00012%); highest among the groups gnomAD compares: Non-Finnish European, 0.000085%; no homozygotes.

Submission:

Labcorp Genetics (formerly Invitae), Labcorp
Classification: Uncertain significance for 3-methylglutaconic aciduria, type VIIB. Last evaluated: 2024-12-02. Review status: criteria provided, single submitter. Criteria: Invitae Variant Classification Sherloc (09022015). Collection method: clinical testing. Allele origin: germline.
Comment: This sequence change replaces valine, which is neutral and non-polar, with leucine, which is neutral and non-polar, at codon 185 of the CLPB protein (p.Val185Leu). This variant is present in population databases (rs745791300, gnomAD 0.0009%). This variant has not been reported in the literature in individuals affected with CLPB-related conditions. ClinVar contains an entry for this variant (Variation ID: 1910516). An algorithm developed to predict the effect of missense changes on protein structure and function (PolyPhen-2) suggests that this variant is likely to be tolerated. In summary, the available evidence is currently insufficient to determine the role of this variant in disease. Therefore, it has been classified as a Variant of Uncertain Significance.

NM_001258392.3(CLPB):c.553G>C (p.Val185Leu)

Gene: CLPB (ClpB family mitochondrial disaggregase; minus strand). Cytogenetic location: 11q13.4.
Variant type: single nucleotide variant.
Coding change: c.553G>C on transcript NM_001258392.3 (MANE Select); coding-DNA position 553, G replaced by C.
Protein change: p.Val185Leu; replaces valine 185 with leucine.
Molecular consequence: missense variant.
Genome position (GRCh38, 1-based): chr11:72,380,374, C>G on the plus strand (G>C on the coding strand, the complement: CLPB is on the minus strand). VCF-style: chr11-72380374-C-G. GRCh37 (hg19) VCF-style: chr11-72091418-C-G.
Other names: c.466G>C, p.Val156Leu (NM_001258393.3); c.418G>C, p.Val140Leu (NM_001258394.3); c.553G>C, p.Val185Leu (NM_030813.6); short protein forms V185L, V140L, V156L.
Identifiers: ClinVar variation 1910516 (VCV001910516.5), dbSNP rs745791300, ClinGen allele CA6171518.